The following is an entry in ClinVar:

NM_004991.4(MECOM):c.3206C>G (p.Thr1069Ser)

Gene: MECOM (MDS1 and EVI1 complex locus; minus strand). Cytogenetic location: 3q26.2.
Variant type: single nucleotide variant.
Coding change: c.3206C>G on transcript NM_004991.4 (MANE Select); coding-DNA position 3206, C replaced by G.
Protein change: p.Thr1069Ser; replaces threonine 1069 with serine.
Molecular consequence: missense variant.
Genome position (GRCh38, 1-based): chr3:169,090,195, G>C on the plus strand (C>G on the coding strand, the complement: MECOM is on the minus strand). VCF-style: chr3-169090195-G-C. GRCh37 (hg19) VCF-style: chr3-168807983-G-C.
Other names: c.2645C>G, p.Thr882Ser (NM_001366468.2, NM_001366467.2); c.2642C>G, p.Thr881Ser (NM_001366469.2, NM_005241.4, NM_001105078.4 and 1 more transcripts); c.2618C>G, p.Thr873Ser (NM_001366470.2, NM_001163999.2); c.2615C>G, p.Thr872Ser (NM_001366471.2, NM_001366472.2, NM_001164000.2); c.2207C>G, p.Thr736Ser (NM_001366473.2); c.1643C>G, p.Thr548Ser (NM_001366474.2); c.2837C>G, p.Thr946Ser (NM_001105077.4); c.3179C>G, p.Thr1060Ser (NM_001366466.2); short protein forms T872S, T946S, T1069S, T873S, T881S, T548S, T882S, T1060S.
Identifiers: ClinVar variation 2852551 (VCV002852551.3), dbSNP rs2549158350, ClinGen allele CA355069737.

ClinVar aggregate classification (germline): Uncertain significance (1 of 4 stars; one submission).

Submission:

Labcorp Genetics (formerly Invitae), Labcorp
Classification: Uncertain significance. Last evaluated: 2023-04-07. Review status: criteria provided, single submitter. Criteria: Invitae Variant Classification Sherloc (09022015). Collection method: clinical testing. Allele origin: germline.
Comment: In summary, the available evidence is currently insufficient to determine the role of this variant in disease. Therefore, it has been classified as a Variant of Uncertain Significance. An algorithm developed to predict the effect of missense changes on protein structure and function (PolyPhen-2) suggests that this variant is likely to be tolerated. This variant has not been reported in the literature in individuals affected with MECOM-related conditions. This variant is not present in population databases (gnomAD no frequency). This sequence change replaces threonine, which is neutral and polar, with serine, which is neutral and polar, at codon 881 of the MECOM protein (p.Thr881Ser).